The following is an entry in ClinVar:

NM_001346754.2(PIGW):c.328C>G (p.Leu110Val)

Genes: MYO19 (myosin XIX; minus strand), PIGW (phosphatidylinositol glycan anchor biosynthesis class W; plus strand). Cytogenetic location: 17q12.
Variant type: single nucleotide variant.
Coding change: c.328C>G on transcript NM_001346754.2 (MANE Select); coding-DNA position 328, C replaced by G.
Protein change: p.Leu110Val; replaces leucine 110 with valine.
Molecular consequence: missense variant.
Genome position (GRCh38, 1-based): chr17:36,537,429, C>G. VCF-style: chr17-36537429-C-G. GRCh37 (hg19) VCF-style: chr17-34893278-C-G.
Other names: c.328C>G, p.Leu110Val (NM_001346755.2, NM_178517.5); short protein forms L110V.
Identifiers: ClinVar variation 1506181 (VCV001506181.3), dbSNP rs2074157511, ClinGen allele CA399162437.

ClinVar aggregate classification (germline): Uncertain significance (1 of 4 stars; one submission).

Conditions:
Hyperphosphatasia with intellectual disability syndrome 5 (GPIBD11). Also called: GLYCOSYLPHOSPHATIDYLINOSITOL BIOSYNTHESIS DEFECT 11. Identifiers: Orphanet 247262, MedGen C4014958, MONDO:0014457, OMIM 616025.

Allele frequency attached by ClinVar (database versions not stated): TOPMed below 0.00001.

Submission:

Labcorp Genetics (formerly Invitae), Labcorp
Classification: Uncertain significance for Hyperphosphatasia with intellectual disability syndrome 5. Last evaluated: 2022-08-31. Review status: criteria provided, single submitter. Criteria: Invitae Variant Classification Sherloc (09022015). Collection method: clinical testing. Allele origin: germline.
Comment: This sequence change replaces leucine, which is neutral and non-polar, with valine, which is neutral and non-polar, at codon 110 of the PIGW protein (p.Leu110Val). This variant is not present in population databases (gnomAD no frequency). This variant has not been reported in the literature in individuals affected with PIGW-related conditions. ClinVar contains an entry for this variant (Variation ID: 1506181). Algorithms developed to predict the effect of missense changes on protein structure and function (SIFT, PolyPhen-2, Align-GVGD) all suggest that this variant is likely to be tolerated. In summary, the available evidence is currently insufficient to determine the role of this variant in disease. Therefore, it has been classified as a Variant of Uncertain Significance.